The following is an entry in ClinVar:

ClinVar aggregate classification (germline): Likely benign (1 of 4 stars; one submission).

Allele frequency attached by ClinVar (database versions not stated): ExAC 0.00014; 1000 Genomes Project 30x 0.00016; gnomAD 0.00021; gnomAD exomes 0.00027.
gnomAD v4.1: 400 of 1,556,878 alleles (0.026%); highest among the groups gnomAD compares: Non-Finnish European, 0.033%; 4 homozygotes.

Submission:

CeGaT Center for Human Genetics Tuebingen
Classification: Likely benign. Last evaluated: 2022-06-01. Review status: criteria provided, single submitter. Criteria: CeGaT Center For Human Genetics Tuebingen Variant Classification Criteria Version 2. Collection method: clinical testing. Allele origin: germline. Affected: yes. Observed: 1 variant allele.
Comment: MUC5B: BP4, BP7

NM_002458.3(MUC5B):c.6357A>C (p.Thr2119=)

Genes: MUC5B (mucin 5B, oligomeric mucus/gel-forming; plus strand), MUC5B-AS1 (MUC5B antisense RNA 1; minus strand). Cytogenetic location: 11p15.5.
Variant type: single nucleotide variant.
Coding change: c.6357A>C on transcript NM_002458.3 (MANE Select); coding-DNA position 6357, A replaced by C.
Protein change: p.Thr2119=; no amino-acid change (threonine 2119 retained).
Molecular consequence: synonymous variant.
Genome position (GRCh38, 1-based): chr11:1,243,237, A>C. VCF-style: chr11-1243237-A-C. GRCh37 (hg19) VCF-style: chr11-1264467-A-C.
Identifiers: ClinVar variation 2641217 (VCV002641217.24), dbSNP rs767900278, ClinGen allele CA5805991.